The following is an entry in ClinVar:

ClinVar aggregate classification (germline): Pathogenic (3 of 4 stars; one submission).

Conditions:
Breast-ovarian cancer, familial, susceptibility to, 1 (BROVCA1). Also called: BRCA1 Hereditary Breast and Ovarian Cancer; OVARIAN CANCER, SUSCEPTIBILITY TO. Identifiers: Orphanet 145, MedGen C2676676, MONDO:0011450, OMIM 604370. Disease mechanism: loss of function.

Submission:

Evidence-based Network for the Interpretation of Germline Mutant Alleles (ENIGMA)
Classification: Pathogenic for Breast-ovarian cancer, familial, susceptibility to, 1. Last evaluated: 2017-12-15. Review status: reviewed by expert panel. Criteria: ENIGMA BRCA1/2 Classification Criteria (2017-06-29). Collection method: curation. Allele origin: germline. Study: ENIGMA.
Comment: Variant allele predicted to encode a truncated non-functional protein.

NM_007294.4(BRCA1):c.5237del (p.His1746fs)

Gene: BRCA1 (BRCA1 DNA repair associated; minus strand). Cytogenetic location: 17q21.31.
Variant type: Deletion.
Coding change: c.5237del on transcript NM_007294.4 (MANE Select); coding-DNA position 5237, one base deleted (A; older notation c.5237delA).
Protein change: p.His1746fs; shifts the reading frame from histidine 1746.
Molecular consequence: frameshift variant. On other transcripts: non-coding transcript variant (1).
Genome position (GRCh38, 1-based): chr17:43,057,092, T deleted on the plus strand (A on the coding strand, the reverse complement: BRCA1 is on the minus strand). VCF-style (leftmost placement, unchanged base first): chr17-43057091-GT-G. GRCh37 (hg19) VCF-style: chr17-41209108-GT-G.
Other names: c.5090delA, p.His1697Profs (NM_001407846.1, NM_001407847.1, NM_001407848.1 and 12 more transcripts); c.5237delA, p.His1746Profs (NM_001407854.1, NM_001407593.1, NM_001407594.1 and 7 more transcripts); c.5234delA, p.His1745Profs (NM_001407858.1, NM_001407859.1, NM_001407860.1 and 17 more transcripts); c.5231delA, p.His1744Profs (NM_001407861.1, NM_001407627.1, NM_001407628.1 and 14 more transcripts); c.5036delA, p.His1679Profs (NM_001407862.1); c.5033delA, p.His1678Profs (NM_001407863.1); c.5030delA, p.His1677Profs (NM_001407874.1, NM_001407875.1); c.5027delA, p.His1676Profs (NM_001407879.1, NM_001407881.1, NM_001407882.1 and 5 more transcripts); and 75 more; short protein forms H1767fs, H642fs, H1699fs, H1746fs.
Identifiers: ClinVar variation 548308 (VCV000548308.2), dbSNP rs1555576907, ClinGen allele CA658824714.